The following is an entry in ClinVar:

ClinVar aggregate classification (germline): Uncertain significance (1 of 4 stars; one submission).

Conditions:
MYH10-related disorder. Also called: MYH10-related condition.

Submission:

PreventionGenetics, part of Exact Sciences
Classification: Uncertain significance for MYH10-related condition. Last evaluated: 2022-12-07. Review status: criteria provided, single submitter. Criteria: ACMG Guidelines, 2015. Collection method: clinical testing. Allele origin: germline.
Comment: The MYH10 c.5571_5582del12 variant is predicted to result in an in-frame deletion (p.Glu1859_Glu1862del). To our knowledge, this variant has not been reported in the literature or in a large population database, indicating this variant is rare. At this time, the clinical significance of this variant is uncertain due to the absence of conclusive functional and genetic evidence.

NM_001256012.3(MYH10):c.5571_5582del (p.Glu1859_Glu1862del)

Gene: MYH10 (myosin heavy chain 10; minus strand). Cytogenetic location: 17p13.1.
Variant type: Deletion.
Coding change: c.5571_5582del on transcript NM_001256012.3 (MANE Select); coding-DNA positions 5571 to 5582, 12 bases deleted (GGAGGAGCAGCT).
Protein change: p.Glu1859_Glu1862del.
Molecular consequence: inframe deletion.
Genome position (GRCh38, 1-based): chr17:8,480,125-8,480,136, AGCTGCTCCTCC deleted on the plus strand (GGAGGAGCAGCT on the coding strand, the reverse complement: MYH10 is on the minus strand); deleting any 12 consecutive bases within chr17:8,480,125-8,480,142 gives the same sequence; the c. name uses the placement nearest the transcript's 3' end. VCF-style (leftmost placement, unchanged base first): chr17-8480124-AAGCTGCTCCTCC-A. GRCh37 (hg19) VCF-style: chr17-8383442-AAGCTGCTCCTCC-A.
Other names: c.5505_5516del, p.Glu1837_Glu1840del (NM_001256095.2); c.5508_5519del, p.Glu1838_Glu1841del (NM_001375266.1); c.5478_5489del, p.Glu1828_Glu1831del (NM_005964.5).
Identifiers: ClinVar variation 2635189 (VCV002635189.1), dbSNP rs2544168191, ClinGen allele CA2695201247.
Genomic context (GRCh38, chr17:8,480,124, plus strand): 5'-GAGCCTAGTTGGTAAGTTTTGGTTTACGGTAGCAAAAACCTCTTACTTGGCTTCCTGCTC[AAGCTGCTCCTCC>A]AGCTGCCCAATCTTGGCCTCCAGGGCTGAGATGGTGGCCTTGAACTTAGACTTGACAGCA-3'